The following is an entry in ClinVar:

ClinVar aggregate classification (germline): Uncertain significance (1 of 4 stars; one submission).

Conditions:
Kufor-Rakeb syndrome (KRS). Also called: PARKINSON DISEASE 9, AUTOSOMAL RECESSIVE, JUVENILE-ONSET. Identifiers: Orphanet 306674, Orphanet 314632, MedGen C1847640, MONDO:0011706, OMIM 606693.
Autosomal recessive spastic paraplegia type 78. Identifiers: Orphanet 513436, MedGen C5567893, MONDO:0014975, OMIM 617225.

Submission:

Labcorp Genetics (formerly Invitae), Labcorp
Classification: Uncertain significance for Kufor-Rakeb syndrome; Autosomal recessive spastic paraplegia type 78. Last evaluated: 2023-07-17. Review status: criteria provided, single submitter. Criteria: Invitae Variant Classification Sherloc (09022015). Collection method: clinical testing. Allele origin: germline.
Comment: ClinVar contains an entry for this variant (Variation ID: 1440780). Advanced modeling of protein sequence and biophysical properties (such as structural, functional, and spatial information, amino acid conservation, physicochemical variation, residue mobility, and thermodynamic stability) performed at Invitae indicates that this missense variant is not expected to disrupt ATP13A2 protein function. Algorithms developed to predict the effect of sequence changes on RNA splicing suggest that this variant may create or strengthen a splice site. In summary, the available evidence is currently insufficient to determine the role of this variant in disease. Therefore, it has been classified as a Variant of Uncertain Significance. This sequence change replaces histidine, which is basic and polar, with tyrosine, which is neutral and polar, at codon 822 of the ATP13A2 protein (p.His822Tyr). This variant is not present in population databases (gnomAD no frequency). This variant has not been reported in the literature in individuals affected with ATP13A2-related conditions.

NM_022089.4(ATP13A2):c.2464C>T (p.His822Tyr)

Gene: ATP13A2 (ATPase cation transporting 13A2; minus strand). Cytogenetic location: 1p36.13.
Variant type: single nucleotide variant.
Coding change: c.2464C>T on transcript NM_022089.4 (MANE Select); coding-DNA position 2464, C replaced by T.
Protein change: p.His822Tyr; replaces histidine 822 with tyrosine.
Molecular consequence: missense variant. On other transcripts: intron variant (1).
Genome position (GRCh38, 1-based): chr1:16,989,952, G>A on the plus strand (C>T on the coding strand, the complement: ATP13A2 is on the minus strand). VCF-style: chr1-16989952-G-A. GRCh37 (hg19) VCF-style: chr1-17316447-G-A.
Other names: c.2449C>T, p.His817Tyr (NM_001141973.3); c.2397+175C>T (NM_001141974.3); short protein forms H817Y, H822Y.
Identifiers: ClinVar variation 1440780 (VCV001440780.8), dbSNP rs2100725484, ClinGen allele CA338240616.